The following is an entry in ClinVar:

NM_000080.4(CHRNE):c.400G>A (p.Gly134Ser)

Genes: C17orf107 (chromosome 17 open reading frame 107; plus strand), CHRNE (cholinergic receptor nicotinic epsilon subunit; minus strand). Cytogenetic location: 17p13.2.
Variant type: single nucleotide variant.
Coding change: c.400G>A on transcript NM_000080.4 (MANE Select); coding-DNA position 400, G replaced by A.
Protein change: p.Gly134Ser; replaces glycine 134 with serine.
Molecular consequence: missense variant. On other transcripts: 3 prime UTR variant (1).
Genome position (GRCh38, 1-based): chr17:4,902,032, C>T on the plus strand (G>A on the coding strand, the complement: CHRNE is on the minus strand). VCF-style: chr17-4902032-C-T. GRCh37 (hg19) VCF-style: chr17-4805327-C-T.
Other names: c.*1499C>T (NM_001145536.2); short protein forms G134S.
Identifiers: ClinVar variation 2982460 (VCV002982460.3), dbSNP rs183983159, ClinGen allele CA287186203.

ClinVar aggregate classification (germline): Uncertain significance (1 of 4 stars; one submission).

Conditions:
Congenital myasthenic syndrome 4A. Also called: Myasthenic syndrome, congenital, 4a, slow-channel; MYASTHENIC SYNDROME, CONGENITAL, 4A, SLOW-CHANNEL, AUTOSOMAL RECESSIVE; CONGENITAL MYASTHENIC SYNDROME TYPE Ia1. Identifiers: Orphanet 590, MedGen C4225413, MONDO:0011600, OMIM 605809.

Allele frequency attached by ClinVar (database versions not stated): gnomAD exomes below 0.00001; gnomAD 0.00001; TOPMed 0.00001; 1000 Genomes Project 30x 0.00016; 1000 Genomes Project 0.00020.

Submission:

Labcorp Genetics (formerly Invitae), Labcorp
Classification: Uncertain significance for Congenital myasthenic syndrome 4A. Last evaluated: 2023-09-29. Review status: criteria provided, single submitter. Criteria: Invitae Variant Classification Sherloc (09022015). Collection method: clinical testing. Allele origin: germline.
Comment: In summary, the available evidence is currently insufficient to determine the role of this variant in disease. Therefore, it has been classified as a Variant of Uncertain Significance. Advanced modeling of protein sequence and biophysical properties (such as structural, functional, and spatial information, amino acid conservation, physicochemical variation, residue mobility, and thermodynamic stability) performed at Invitae indicates that this missense variant is expected to disrupt CHRNE protein function. This variant has not been reported in the literature in individuals affected with CHRNE-related conditions. This variant is not present in population databases (gnomAD no frequency). This sequence change replaces glycine, which is neutral and non-polar, with serine, which is neutral and polar, at codon 134 of the CHRNE protein (p.Gly134Ser).